The following is an entry in ClinVar:

ClinVar aggregate classification (germline): Uncertain significance (1 of 4 stars; one submission).

Allele frequency attached by ClinVar (database versions not stated): gnomAD exomes 0.00001 and 0.00003; ExAC 0.00002; ESP Exome Variant Server 0.00008; gnomAD 0.00012; TOPMed 0.00023.

Submission:

GeneDx
Classification: Uncertain significance. Last evaluated: 2019-06-03. Review status: criteria provided, single submitter. Criteria: GeneDx Variant Classification Process June 2021. Collection method: clinical testing. Allele origin: germline. Affected: yes.
Comment: Initiation codon variant in a gene for which loss-of-function is not a known mechanism of disease; Has not been previously published as pathogenic or benign to our knowledge; Variants in candidate genes are classified as variants of uncertain significance in accordance with ACMG guidelines (Richards et al., 2015)

NC_000007.14:g.101218196A>G

Genes: PLOD3 (procollagen-lysine,2-oxoglutarate 5-dioxygenase 3; minus strand), ZNHIT1 (zinc finger HIT-type containing 1; plus strand). Cytogenetic location: 7q22.1.
Variant type: single nucleotide variant.
Molecular consequence: missense variant, initiator codon variant (on NM_006349.3).
Genome position: GRCh38 VCF-style: chr7-101218196-A-G. GRCh37 (hg19) VCF-style: chr7-100861477-A-G.
Other names: c.1A>G, p.Met1Val (NM_006349.3); short protein forms M1V.
Identifiers: ClinVar variation 1320800 (VCV001320800.3), dbSNP rs376498256, ClinGen allele CA4408368.
Genomic context (GRCh38, chr7:101,218,196, plus strand): 5'-CTAAAGCCTTGGGGTTAGTACGCGTGCGCAGCAGTTTCTTCCGACAGTTGTGTTGTGCCA[A>G]TGGTGGAGAAGAAAACTTCGGGTATGTGAGCCCCCGCGGTTCGCCCCCTTCCCCTTCCCA-3'